The following is an entry in ClinVar:

ClinVar aggregate classification (germline): Pathogenic (1 of 4 stars; one submission).

Submission:

Labcorp Genetics (formerly Invitae), Labcorp
Classification: Pathogenic. Last evaluated: 2025-06-03. Review status: criteria provided, single submitter. Criteria: Invitae Variant Classification Sherloc (09022015). Collection method: clinical testing. Allele origin: germline.
Comment: This sequence change creates a premature translational stop signal (p.Lys245Asnfs*15) in the TMPRSS15 gene. It is expected to result in an absent or disrupted protein product. Loss-of-function variants in TMPRSS15 are known to be pathogenic (PMID: 11719902). This variant is not present in population databases (gnomAD no frequency). This variant has not been reported in the literature in individuals affected with TMPRSS15-related conditions. For these reasons, this variant has been classified as Pathogenic.

Literature cited by the submitters: PubMed 11719902.

NM_002772.3(TMPRSS15):c.735del (p.Lys245fs)

Gene: TMPRSS15 (transmembrane serine protease 15; minus strand). Cytogenetic location: 21q21.1.
Variant type: Deletion.
Coding change: c.735del on transcript NM_002772.3 (MANE Select); coding-DNA position 735, one base deleted (A; older notation c.735delA).
Protein change: p.Lys245fs; shifts the reading frame from lysine 245.
Molecular consequence: frameshift variant.
Genome position (GRCh38, 1-based): chr21:18,365,178, T deleted on the plus strand (A on the coding strand, the reverse complement: TMPRSS15 is on the minus strand); the first of 4 consecutive T bases (chr21:18,365,178-18,365,181); deleting any one gives the same sequence. VCF-style (leftmost placement, unchanged base first): chr21-18365177-GT-G. GRCh37 (hg19) VCF-style: chr21-19737494-GT-G.
Other names: c.870del, p.Lys290fs (NM_001428056.1); c.735del, p.Lys245fs (NM_001428057.1); short protein forms K245fs, K290fs.
Identifiers: ClinVar variation 4809675 (VCV004809675.1).